The following is an entry in ClinVar:

NM_080732.4(EGLN2):c.334G>A (p.Ala112Thr)

Genes: EGLN2 (egl-9 family hypoxia inducible factor 2; plus strand), RAB4B-EGLN2 (RAB4B-EGLN2 readthrough (NMD candidate); plus strand). Cytogenetic location: 19q13.2.
Variant type: single nucleotide variant.
Coding change: c.334G>A on transcript NM_080732.4 (MANE Select); coding-DNA position 334, G replaced by A.
Protein change: p.Ala112Thr; replaces alanine 112 with threonine.
Molecular consequence: missense variant. On other transcripts: non-coding transcript variant (1).
Genome position (GRCh38, 1-based): chr19:40,800,906, G>A. VCF-style: chr19-40800906-G-A. GRCh37 (hg19) VCF-style: chr19-41306811-G-A.
Other names: c.334G>A, p.Ala112Thr (NM_053046.4); short protein forms A112T.
Identifiers: ClinVar variation 1730503 (VCV001730503.2), dbSNP rs1158264174, ClinGen allele CA405955038.

ClinVar aggregate classification (germline): Uncertain significance (1 of 4 stars; one submission).

gnomAD v4.1: 9 of 1,609,386 alleles (0.00056%); highest among the groups gnomAD compares: African/African-American, 0.0013%; no homozygotes.

Submission:

Ambry Genetics
Classification: Uncertain significance. Last evaluated: 2022-05-17. Review status: criteria provided, single submitter. Criteria: Ambry Variant Classification Scheme 2023. Collection method: clinical testing. Allele origin: germline.
Comment: The p.A112T variant (also known as c.334G>A), located in coding exon 1 of the EGLN2 gene, results from a G to A substitution at nucleotide position 334. The alanine at codon 112 is replaced by threonine, an amino acid with similar properties. This amino acid position is conserved. In addition, this alteration is predicted to be tolerated by in silico analysis. Since supporting evidence is limited at this time, the clinical significance of this alteration remains unclear.